The following is an entry in ClinVar:

ClinVar aggregate classification (germline): Benign/Likely benign. Review status: criteria provided, multiple submitters, no conflicts (2 of 4 stars). 3 submissions from 3 submitters: Benign (1); Likely benign (1). 1 of the submissions does not count toward it. Last evaluated 2026-08-01.

Conditions:
Heparin cofactor II deficiency. Also called: HCF II DEFICIENCY; HCF2 DEFICIENCY; THROMBOPHILIA DUE TO HEPARIN COFACTOR II DEFICIENCY; Heparin cofactor 2 deficiency. Identifiers: MedGen C0398626, MONDO:0012876, OMIM 612356.

Allele frequency attached by ClinVar (database versions not stated): 1000 Genomes Project 0.00120; 1000 Genomes Project 30x 0.00141; gnomAD 0.00156 and 0.00161; TOPMed 0.00111; gnomAD exomes 0.00138 and 0.00181; ExAC 0.00131.
gnomAD v4.1: 2,829 of 1,614,202 alleles (0.18%); highest among the groups gnomAD compares: Non-Finnish European, 0.21%; 4 homozygotes.

Submissions (3):

CeGaT Center for Human Genetics Tuebingen
Classification: Likely benign. Last evaluated: 2026-08-01. Review status: criteria provided, single submitter. Criteria: CeGaT Center For Human Genetics Tuebingen Variant Classification Criteria Version 2. Collection method: clinical testing. Allele origin: germline. Affected: yes. Observed: 5 variant alleles.
Comment: SERPIND1: BS1

Mendelics
Classification: Benign for Heparin cofactor II deficiency. Last evaluated: 2019-05-28. Review status: criteria provided, single submitter. Criteria: Mendelics Assertion Criteria 2017. Collection method: clinical testing. Allele origin: unknown.

OMIM
Classification: Pathogenic for HEPARIN COFACTOR II DEFICIENCY. Last evaluated: 1989-03-25. Review status: no assertion criteria provided. Collection method: literature only. Allele origin: germline. Not counted in ClinVar's aggregate classification.

Literature cited by the submitters: PubMed 2647747 (cited by OMIM).

NM_000185.4(SERPIND1):c.623G>A (p.Arg208His)

Genes: PI4KA (phosphatidylinositol 4-kinase alpha; minus strand), SERPIND1 (serpin family D member 1; plus strand). Cytogenetic location: 22q11.21.
Variant type: single nucleotide variant.
Coding change: c.623G>A on transcript NM_000185.4 (MANE Select); coding-DNA position 623, G replaced by A.
Protein change: p.Arg208His; replaces arginine 208 with histidine.
Molecular consequence: missense variant. On other transcripts: intron variant (3).
Genome position (GRCh38, 1-based): chr22:20,779,935, G>A. VCF-style: chr22-20779935-G-A. GRCh37 (hg19) VCF-style: chr22-21134223-G-A.
Other names: R189H; c.2262+13258C>T (NM_001362863.2); c.2328+13258C>T (NM_001362862.2, NM_058004.4); short protein forms R208H.
Identifiers: ClinVar variation 14952 (VCV000014952.10), dbSNP rs5907, ClinGen allele CA124490.